The following is an entry in ClinVar:

ClinVar aggregate classification (germline): Pathogenic/Likely pathogenic. Review status: criteria provided, multiple submitters, no conflicts (2 of 4 stars). 4 submissions from 4 submitters: Pathogenic (1); Likely pathogenic (3). Last evaluated 2025-09-11.

Conditions:
Hypertrophic cardiomyopathy 9. Also called: Familial hypertrophic cardiomyopathy 9. Identifiers: MedGen C1861065, MONDO:0013412, OMIM 613765.
Tibial muscular dystrophy (TMD). Also called: UDD MYOPATHY; Udd Distal Myopathy – Tibial Muscular Dystrophy; Tibial muscular dystrophy, tardive. Identifiers: Orphanet 609, MedGen C1838244, MONDO:0010870, OMIM 600334.
Early-onset myopathy with fatal cardiomyopathy (CMYO5). Also called: Salih Myopathy; CONGENITAL MYOPATHY 5 WITH CARDIOMYOPATHY. Identifiers: Orphanet 289377, MedGen C2673677, MONDO:0012714, OMIM 611705. Disease mechanism: loss of function.
Myopathy, myofibrillar, 9, with early respiratory failure (MFM9). Also called: MYOPATHY, PROXIMAL, WITH EARLY RESPIRATORY MUSCLE INVOLVEMENT; Hereditary myopathy with early respiratory failure; EDSTROM MYOPATHY; Myopathy, distal, with early respiratory failure, autosomal dominant. Identifiers: Orphanet 178464, Orphanet 34521, MedGen C1863599, MONDO:0011362, OMIM 603689.
Dilated cardiomyopathy 1G (CMD1G). Identifiers: Orphanet 154, MedGen C1858763, MONDO:0011400, OMIM 604145.
Autosomal recessive limb-girdle muscular dystrophy type 2J (LGMDR10). Also called: Limb-girdle muscular dystrophy, type 2J; MUSCULAR DYSTROPHY, LIMB-GIRDLE, AUTOSOMAL RECESSIVE 10. Identifiers: Orphanet 140922, MedGen C1837342, MONDO:0012127, OMIM 608807.
Cardiovascular phenotype. Identifiers: MedGen CN230736.

Submissions (4):

Labcorp Genetics (formerly Invitae), Labcorp
Classification: Likely pathogenic for Dilated cardiomyopathy 1G; Autosomal recessive limb-girdle muscular dystrophy type 2J. Last evaluated: 2025-09-11. Review status: criteria provided, single submitter. Criteria: Invitae Variant Classification Sherloc (09022015). Collection method: clinical testing. Allele origin: germline.
Comment: This sequence change creates a premature translational stop signal (p.Trp32223*) in the TTN gene. While this is not anticipated to result in nonsense mediated decay, it is expected to create a truncated TTN protein. This variant is not present in population databases (gnomAD no frequency). This variant has not been reported in the literature in individuals affected with TTN-related conditions. ClinVar contains an entry for this variant (Variation ID: 1068361). This variant is located in the A band of TTN (PMID: 25589632). Truncating variants in this region are significantly overrepresented in patients affected with dilated cardiomyopathy (PMID: 25589632). Truncating variants in this region have also been reported in individuals affected with autosomal recessive centronuclear myopathy (PMID: 23975875). In summary, the currently available evidence indicates that the variant is pathogenic, but additional data are needed to prove that conclusively. Therefore, this variant has been classified as Likely Pathogenic.

GeneDx
Classification: Pathogenic. Last evaluated: 2023-07-25. Review status: criteria provided, single submitter. Criteria: GeneDx Variant Classification Process June 2021. Collection method: clinical testing. Allele origin: germline. Affected: yes.
Comment: Nonsense variant predicted to result in protein truncation or nonsense mediated decay in a gene for which loss of function is a known mechanism of disease; Located in the A-band region of TTN in which the majority of loss of function variants have been associated with autosomal dominant titinopathies (Herman et al., 2012); Not observed at significant frequency in large population cohorts (gnomAD); Has not been previously published as pathogenic or benign to our knowledge; This variant is associated with the following publications: (PMID: 22335739)

Ambry Genetics
Classification: Likely pathogenic for Cardiovascular phenotype. Last evaluated: 2022-05-02. Review status: criteria provided, single submitter. Criteria: Ambry Variant Classification Scheme 2023. Collection method: clinical testing. Allele origin: germline.
Comment: The p.W23158* variant (also known as c.69474G>A), located in coding exon 174 of the TTN gene, results from a G to A substitution at nucleotide position 69474. This changes the amino acid from a tryptophan to a stop codon within coding exon 174. This exon is located in the A-band region of the N2-B isoform of the titin protein and is constitutively expressed in TTN transcripts (percent spliced in or PSI 100%). This variant is considered to be rare based on population cohorts in the Genome Aggregation Database (gnomAD). This alteration is expected to result in loss of function by premature protein truncation or nonsense-mediated mRNA decay. While truncating variants in TTN are present in 1-3% of the general population, truncating variants in the A-band are the most common cause of dilated cardiomyopathy (DCM) (Herman DS et al. N. Engl. J. Med., 2012 Feb;366:619-28; Roberts AM et al. Sci Transl Med, 2015 Jan;7:270ra6). TTN truncating variants encoded in constitutive exons (PSI >90%) have been found to be significantly associated with DCM regardless of their position in titin (Schafer S et al. Nat. Genet., 2017 01;49:46-53). As such, this alteration is classified as likely pathogenic.

Fulgent Genetics
Classification: Likely pathogenic for Tibial muscular dystrophy; Myopathy, myofibrillar, 9, with early respiratory failure; Dilated cardiomyopathy 1G; Autosomal recessive limb-girdle muscular dystrophy type 2J; Early-onset myopathy with fatal cardiomyopathy; Hypertrophic cardiomyopathy 9. Last evaluated: 2021-11-11. Review status: criteria provided, single submitter. Criteria: ACMG Guidelines, 2015. Collection method: clinical testing. Allele origin: unknown.

Literature cited by the submitters: PubMed 25589632 (cited by Labcorp Genetics (formerly Invitae), Labcorp); PubMed 23975875 (cited by Labcorp Genetics (formerly Invitae), Labcorp).

NM_001267550.2(TTN):c.96669G>A (p.Trp32223Ter)

Genes: TTN (titin; minus strand), TTN-AS1 (TTN antisense RNA 1; plus strand), LOC126806421 (CDK7 strongly-dependent group 2 enhancer GRCh37_chr2:179407630-179408829; plus strand). Cytogenetic location: 2q31.2.
Variant type: single nucleotide variant.
Coding change: c.96669G>A on transcript NM_001267550.2 (MANE Select); coding-DNA position 96669, G replaced by A.
Protein change: p.Trp32223Ter; replaces tryptophan 32223 with a stop codon.
Molecular consequence: nonsense.
Genome position (GRCh38, 1-based): chr2:178,543,304, C>T on the plus strand (G>A on the coding strand, the complement: TTN is on the minus strand). VCF-style: chr2-178543304-C-T. GRCh37 (hg19) VCF-style: chr2-179408031-C-T.
Other names: c.96669G>A (NM_001267550.1); c.91746G>A, p.Trp30582Ter (NM_001256850.1); c.69474G>A, p.Trp23158Ter (NM_003319.4); c.88965G>A, p.Trp29655Ter (NM_133378.4); c.69849G>A, p.Trp23283Ter (NM_133432.3); c.70050G>A, p.Trp23350Ter (NM_133437.4); short protein forms W23158*, W23283*, W23350*, W29655*, W30582*, W32223*.
Identifiers: ClinVar variation 1068361 (VCV001068361.13), dbSNP rs2154143423, ClinGen allele CA349446108.